The following is an entry in ClinVar:

ClinVar aggregate classification (germline): Uncertain significance (1 of 4 stars; one submission).

Submission:

Labcorp Genetics (formerly Invitae), Labcorp
Classification: Uncertain significance. Last evaluated: 2022-05-04. Review status: criteria provided, single submitter. Criteria: Invitae Variant Classification Sherloc (09022015). Collection method: clinical testing. Allele origin: germline.
Comment: Algorithms developed to predict the effect of missense changes on protein structure and function output the following: SIFT: "Tolerated"; PolyPhen-2: "Benign"; Align-GVGD: "Class C0". The histidine amino acid residue is found in multiple mammalian species, which suggests that this missense change does not adversely affect protein function. This variant has not been reported in the literature in individuals affected with FRAS1-related conditions. This variant is not present in population databases (gnomAD no frequency). This sequence change replaces glutamine, which is neutral and polar, with histidine, which is basic and polar, at codon 814 of the FRAS1 protein (p.Gln814His). In summary, the available evidence is currently insufficient to determine the role of this variant in disease. Therefore, it has been classified as a Variant of Uncertain Significance.

NM_025074.7(FRAS1):c.2442G>C (p.Gln814His)

Gene: FRAS1 (Fraser extracellular matrix complex subunit 1; plus strand). Cytogenetic location: 4q21.21.
Variant type: single nucleotide variant.
Coding change: c.2442G>C on transcript NM_025074.7 (MANE Select); coding-DNA position 2442, G replaced by C.
Protein change: p.Gln814His; replaces glutamine 814 with histidine.
Molecular consequence: missense variant.
Genome position (GRCh38, 1-based): chr4:78,363,532, G>C. VCF-style: chr4-78363532-G-C. GRCh37 (hg19) VCF-style: chr4-79284686-G-C.
Other names: c.2442G>C, p.Gln814His (NM_001166133.2); short protein forms Q814H.
Identifiers: ClinVar variation 2133731 (VCV002133731.4), dbSNP rs2476854905, ClinGen allele CA357371598.